The following is an entry in ClinVar:

ClinVar aggregate classification (germline): Uncertain significance (1 of 4 stars; one submission).

Conditions:
Walker-Warburg congenital muscular dystrophy. Also called: Muscular dystrophy-dystroglycanopathy, type A; Walker-Warburg syndrome. Identifiers: Orphanet 899, MedGen C0265221, MONDO:0000171.

Submission:

Labcorp Genetics (formerly Invitae), Labcorp
Classification: Uncertain significance for Walker-Warburg congenital muscular dystrophy. Last evaluated: 2020-11-16. Review status: criteria provided, single submitter. Criteria: Invitae Variant Classification Sherloc (09022015). Collection method: clinical testing. Allele origin: germline.
Comment: This sequence change replaces aspartic acid with glutamic acid at codon 362 of the FKRP protein (p.Asp362Glu). The aspartic acid residue is highly conserved and there is a small physicochemical difference between aspartic acid and glutamic acid. This variant is not present in population databases (ExAC no frequency). This variant has not been reported in the literature in individuals with FKRP-related conditions. Algorithms developed to predict the effect of missense changes on protein structure and function are either unavailable or do not agree on the potential impact of this missense change (SIFT: "Deleterious"; PolyPhen-2: "Probably Damaging"; Align-GVGD: "Class C0"). In summary, the available evidence is currently insufficient to determine the role of this variant in disease. Therefore, it has been classified as a Variant of Uncertain Significance.

NM_024301.5(FKRP):c.1086C>A (p.Asp362Glu)

Gene: FKRP (fukutin related protein; plus strand). Cytogenetic location: 19q13.32.
Variant type: single nucleotide variant.
Coding change: c.1086C>A on transcript NM_024301.5 (MANE Select); coding-DNA position 1086, C replaced by A.
Protein change: p.Asp362Glu; replaces aspartic acid 362 with glutamic acid.
Molecular consequence: missense variant.
Genome position (GRCh38, 1-based): chr19:46,756,536, C>A. VCF-style: chr19-46756536-C-A. GRCh37 (hg19) VCF-style: chr19-47259793-C-A.
Other names: c.1086C>A, p.Asp362Glu (NM_001039885.3); short protein forms D362E.
Identifiers: ClinVar variation 1423091 (VCV001423091.8), dbSNP rs749787381, ClinGen allele CA406496618.